The following is an entry in ClinVar:

NM_001130823.3(DNMT1):c.1170+5G>T

Gene: DNMT1 (DNA methyltransferase 1; minus strand). Cytogenetic location: 19p13.2.
Variant type: single nucleotide variant.
Coding change: c.1170+5G>T on transcript NM_001130823.3 (MANE Select); 5 bases into the intron after coding-DNA position 1170, G replaced by T.
Molecular consequence: intron variant.
Genome position (GRCh38, 1-based): chr19:10,159,837, C>A on the plus strand (G>T on the coding strand, the complement: DNMT1 is on the minus strand). VCF-style: chr19-10159837-C-A. GRCh37 (hg19) VCF-style: chr19-10270513-C-A.
Other names: c.807+5G>T (NM_001318731.2); c.1122+5G>T (NM_001379.4, NM_001318730.2).
Identifiers: ClinVar variation 1797999 (VCV001797999.2), dbSNP rs745767142, ClinGen allele CA2580096175.

ClinVar aggregate classification (germline): Uncertain significance (1 of 4 stars; one submission).

Conditions:
Inborn genetic diseases. Identifiers: MedGen C0950123, MeSH D030342.

Submission:

Ambry Genetics
Classification: Uncertain significance for Inborn genetic diseases. Last evaluated: 2019-11-12. Review status: criteria provided, single submitter. Criteria: Ambry Variant Classification Scheme 2023. Collection method: clinical testing. Allele origin: germline.
Comment: The c.1122+5G>T intronic variant results from a G to T substitution 5 nucleotides after coding exon 15 in the DNMT1 gene. This nucleotide position is highly conserved in available vertebrate species. Using the BDGP and ESEfinder splice site prediction tools, this alteration is predicted to weaken the efficiency of the native splice donor site; however, direct evidence is unavailable. Since supporting evidence is limited at this time, the clinical significance of this alteration remains unclear.